The following is an entry in ClinVar:

NM_020911.2(PLXNA4):c.561G>A (p.Thr187=)

Gene: PLXNA4 (plexin A4; minus strand). Cytogenetic location: 7q32.3.
Variant type: single nucleotide variant.
Coding change: c.561G>A on transcript NM_020911.2 (MANE Select); coding-DNA position 561, G replaced by A.
Protein change: p.Thr187=; no amino-acid change (threonine 187 retained).
Molecular consequence: synonymous variant.
Genome position (GRCh38, 1-based): chr7:132,508,133, C>T on the plus strand (G>A on the coding strand, the complement: PLXNA4 is on the minus strand). VCF-style: chr7-132508133-C-T. GRCh37 (hg19) VCF-style: chr7-132192892-C-T.
Other names: c.561G>A, p.Thr187= (NM_001105543.2, NM_001393897.1, NM_181775.4).
Identifiers: ClinVar variation 4988980 (VCV004988980.1).

ClinVar aggregate classification (germline): Likely benign (1 of 4 stars; one submission).

Conditions:
PLXNA4-related disorder. Also called: PLXNA4-related condition.

gnomAD v4.1: 14 of 1,614,172 alleles (0.00087%); highest among the groups gnomAD compares: South Asian, 0.0022%; no homozygotes.

Submission:

PreventionGenetics, part of Exact Sciences
Classification: Likely benign for PLXNA4-related condition. Last evaluated: 2026-08-03. Review status: criteria provided, single submitter. Criteria: ACMG Guidelines, 2015. Collection method: clinical testing. Allele origin: germline.
Comment: This variant is classified as likely benign based on ACMG/AMP sequence variant interpretation guidelines (Richards et al. 2015 PMID: 25741868, with internal and published modifications).